The following is an entry in ClinVar:

ClinVar aggregate classification (germline): Uncertain significance (1 of 4 stars; one submission).

Conditions:
Hereditary cancer-predisposing syndrome. Also called: Neoplastic Syndromes, Hereditary; Tumor predisposition; Hereditary Cancer Syndrome; Hereditary neoplastic syndrome. Identifiers: Orphanet 140162, MedGen C0027672, MeSH D009386, MONDO:0015356.

Submission:

Ambry Genetics
Classification: Uncertain significance for Hereditary cancer-predisposing syndrome. Last evaluated: 2021-10-25. Review status: criteria provided, single submitter. Criteria: Ambry Variant Classification Scheme 2023. Collection method: clinical testing. Allele origin: germline.
Comment: The p.R128M variant (also known as c.383G>T), located in coding exon 3 of the MSH3 gene, results from a G to T substitution at nucleotide position 383. The arginine at codon 128 is replaced by methionine, an amino acid with similar properties. This amino acid position is conserved. In addition, the in silico prediction for this alteration is inconclusive. Since supporting evidence is limited at this time, the clinical significance of this alteration remains unclear.

NM_002439.5(MSH3):c.383G>T (p.Arg128Met)

Gene: MSH3 (mutS homolog 3; plus strand). Cytogenetic location: 5q14.1.
Variant type: single nucleotide variant.
Coding change: c.383G>T on transcript NM_002439.5 (MANE Select); coding-DNA position 383, G replaced by T.
Protein change: p.Arg128Met; replaces arginine 128 with methionine.
Molecular consequence: missense variant.
Genome position (GRCh38, 1-based): chr5:80,665,167, G>T. VCF-style: chr5-80665167-G-T. GRCh37 (hg19) VCF-style: chr5-79960986-G-T.
Other names: short protein forms R128M.
Identifiers: ClinVar variation 1735425 (VCV001735425.2), dbSNP rs1749540659, ClinGen allele CA360263031.